The following is an entry in ClinVar:

ClinVar aggregate classification (germline): Uncertain significance. Review status: criteria provided, multiple submitters, no conflicts (2 of 4 stars). 2 submissions from 2 submitters: Uncertain significance (2). Last evaluated 2024-12-15.

gnomAD v4.1: 3 of 1,613,968 alleles (0.00019%); highest among the groups gnomAD compares: Non-Finnish European, 0.00025%; no homozygotes.

Submissions (2):

Ambry Genetics
Classification: Uncertain significance. Last evaluated: 2024-12-15. Review status: criteria provided, single submitter. Criteria: Ambry Variant Classification Scheme 2023. Collection method: clinical testing. Allele origin: germline.
Comment: The p.S300N variant (also known as c.899G>A), located in coding exon 6 of the ATRIP gene, results from a G to A substitution at nucleotide position 899. The serine at codon 300 is replaced by asparagine, an amino acid with highly similar properties. This amino acid position is conserved. In addition, this alteration is predicted to be tolerated by in silico analysis. Based on the available evidence, the clinical significance of this variant remains unclear.

Labcorp Genetics (formerly Invitae), Labcorp
Classification: Uncertain significance. Last evaluated: 2024-03-13. Review status: criteria provided, single submitter. Criteria: Invitae Variant Classification Sherloc (09022015). Collection method: clinical testing. Allele origin: germline.
Comment: This sequence change replaces serine, which is neutral and polar, with asparagine, which is neutral and polar, at codon 300 of the ATRIP protein (p.Ser300Asn). This variant is not present in population databases (gnomAD no frequency). This variant has not been reported in the literature in individuals affected with ATRIP-related conditions. Algorithms developed to predict the effect of missense changes on protein structure and function output the following: SIFT: "Not Available"; PolyPhen-2: "Benign"; Align-GVGD: "Not Available". The asparagine amino acid residue is found in multiple mammalian species, which suggests that this missense change does not adversely affect protein function. In summary, the available evidence is currently insufficient to determine the role of this variant in disease. Therefore, it has been classified as a Variant of Uncertain Significance.

NM_130384.3(ATRIP):c.899G>A (p.Ser300Asn)

Genes: ATRIP (ATR interacting protein; plus strand), ATRIP-TREX1 (ATRIP-TREX1 readthrough; plus strand). Cytogenetic location: 3p21.31.
Variant type: single nucleotide variant.
Coding change: c.899G>A on transcript NM_130384.3 (MANE Select); coding-DNA position 899, G replaced by A.
Protein change: p.Ser300Asn; replaces serine 300 with asparagine.
Molecular consequence: missense variant. On other transcripts: non-coding transcript variant (1).
Genome position (GRCh38, 1-based): chr3:48,459,428, G>A. VCF-style: chr3-48459428-G-A. GRCh37 (hg19) VCF-style: chr3-48500827-G-A.
Other names: c.518G>A, p.Ser173Asn (NM_001271022.2); c.620G>A, p.Ser207Asn (NM_001271023.2); c.899G>A, p.Ser300Asn (NM_032166.4); c.899G>A (NM_130384.1); short protein forms S207N, S173N, S300N.
Identifiers: ClinVar variation 3710877 (VCV003710877.3).